The following is an entry in ClinVar:

ClinVar aggregate classification (germline): Uncertain significance. Review status: criteria provided, multiple submitters, no conflicts (2 of 4 stars). 2 submissions from 2 submitters: Uncertain significance (2). Last evaluated 2024-06-02.

Conditions:
Inborn genetic diseases. Identifiers: MedGen C0950123, MeSH D030342.
Brachyolmia-amelogenesis imperfecta syndrome. Also called: Tooth agenesis, selective, 6; Dental anomalies and short stature; PLATYSPONDYLY WITH AMELOGENESIS IMPERFECTA. Identifiers: Orphanet 2899, MedGen C1832594, MONDO:0011018, OMIM 601216. Disease mechanism: loss of function.

gnomAD v4.1: 3 of 1,614,196 alleles (0.00019%); highest among the groups gnomAD compares: Non-Finnish European, 0.00025%; no homozygotes.

Submissions (2):

Labcorp Genetics (formerly Invitae), Labcorp
Classification: Uncertain significance for Brachyolmia-amelogenesis imperfecta syndrome. Last evaluated: 2024-06-02. Review status: criteria provided, single submitter. Criteria: Invitae Variant Classification Sherloc (09022015). Collection method: clinical testing. Allele origin: germline.
Comment: This sequence change replaces arginine, which is basic and polar, with leucine, which is neutral and non-polar, at codon 378 of the LTBP3 protein (p.Arg378Leu). This variant is not present in population databases (gnomAD no frequency). This variant has not been reported in the literature in individuals affected with LTBP3-related conditions. ClinVar contains an entry for this variant (Variation ID: 1956725). An algorithm developed to predict the effect of missense changes on protein structure and function (PolyPhen-2) suggests that this variant is likely to be tolerated. Algorithms developed to predict the effect of sequence changes on RNA splicing suggest that this variant may disrupt the consensus splice site. In summary, the available evidence is currently insufficient to determine the role of this variant in disease. Therefore, it has been classified as a Variant of Uncertain Significance.

Ambry Genetics
Classification: Uncertain significance for Inborn genetic diseases. Last evaluated: 2024-01-29. Review status: criteria provided, single submitter. Criteria: Ambry Variant Classification Scheme 2023. Collection method: clinical testing. Allele origin: germline.
Comment: The p.R378L variant (also known as c.1133G>T), located in coding exon 6 of the LTBP3 gene, results from a G to T substitution at nucleotide position 1133. The arginine at codon 378 is replaced by leucine, an amino acid with dissimilar properties. This amino acid position is conserved. In addition, this alteration is predicted to be deleterious by in silico analysis. Based on the available evidence, the clinical significance of this alteration remains unclear.

NM_001130144.3(LTBP3):c.1133G>T (p.Arg378Leu)

Gene: LTBP3 (latent transforming growth factor beta binding protein 3; minus strand). Cytogenetic location: 11q13.1.
Variant type: single nucleotide variant.
Coding change: c.1133G>T on transcript NM_001130144.3 (MANE Select); coding-DNA position 1133, G replaced by T.
Protein change: p.Arg378Leu; replaces arginine 378 with leucine.
Molecular consequence: missense variant.
Genome position (GRCh38, 1-based): chr11:65,552,913, C>A on the plus strand (G>T on the coding strand, the complement: LTBP3 is on the minus strand). VCF-style: chr11-65552913-C-A. GRCh37 (hg19) VCF-style: chr11-65320384-C-A.
Other names: c.1133G>T (NM_001130144.2); c.782G>T, p.Arg261Leu (NM_001164266.1); c.1133G>T, p.Arg378Leu (NM_021070.4); short protein forms R261L, R378L.
Identifiers: ClinVar variation 1956725 (VCV001956725.6), dbSNP rs1301710092, ClinGen allele CA381274290.
Genomic context (GRCh38, chr11:65,552,913, plus strand): 5'-GTCTCACCAATGCACTGTGTACGGGAGGGGCCTAAACTATGGCCAGGTGGGCAGACACAG[C>A]GATAGGAGCCAGGGTTGTTGAGGCAGTCACCATGGCGACACACGCCCGGCATTGCGCACT-3'
Protein context (NP_001123616.1, residues 368-388): GDCLNNPGSY[Arg378Leu]CVCPPGHSLG